The following is an entry in ClinVar:

NM_002691.4(POLD1):c.2851C>T (p.Pro951Ser)

Gene: POLD1 (DNA polymerase delta 1, catalytic subunit; plus strand). Cytogenetic location: 19q13.33.
Variant type: single nucleotide variant.
Coding change: c.2851C>T on transcript NM_002691.4 (MANE Select); coding-DNA position 2851, C replaced by T.
Protein change: p.Pro951Ser; replaces proline 951 with serine.
Molecular consequence: missense variant. On other transcripts: non-coding transcript variant (1).
Genome position (GRCh38, 1-based): chr19:50,416,426, C>T. VCF-style: chr19-50416426-C-T. GRCh37 (hg19) VCF-style: chr19-50919683-C-T.
Other names: c.2851C>T, p.Pro951Ser (NM_001256849.1); c.2929C>T, p.Pro977Ser (NM_001308632.1); short protein forms P951S, P977S.
Identifiers: ClinVar variation 1478690 (VCV001478690.9), dbSNP rs1019032820, ClinGen allele CA309605354.

ClinVar aggregate classification (germline): Uncertain significance. Review status: criteria provided, multiple submitters, no conflicts (2 of 4 stars). 2 submissions from 2 submitters: Uncertain significance (2). Last evaluated 2024-05-26.

Conditions:
POLD1-related polyposis and colorectal cancer syndrome (CRCS10). Also called: Colorectal cancer 10; COLORECTAL CANCER, SUSCEPTIBILITY TO, ON CHROMOSOME 19q; Colorectal cancer, susceptibility to, 10. Identifiers: Orphanet 220460, MedGen C2675481, MONDO:0012953, OMIM 612591.
Hereditary cancer-predisposing syndrome. Also called: Neoplastic Syndromes, Hereditary; Tumor predisposition; Hereditary Cancer Syndrome; Hereditary neoplastic syndrome. Identifiers: Orphanet 140162, MedGen C0027672, MeSH D009386, MONDO:0015356.

Allele frequency attached by ClinVar (database versions not stated): TOPMed 0.00002; gnomAD 0.00001.
gnomAD v4.1: 4 of 1,549,680 alleles (0.00026%); highest among the groups gnomAD compares: African/African-American, 0.0027%; no homozygotes.

Submissions (2):

Ambry Genetics
Classification: Uncertain significance for Hereditary cancer-predisposing syndrome. Last evaluated: 2024-05-26. Review status: criteria provided, single submitter. Criteria: Ambry Variant Classification Scheme 2023. Collection method: clinical testing. Allele origin: germline.
Comment: The p.P951S variant (also known as c.2851C>T), located in coding exon 22 of the POLD1 gene, results from a C to T substitution at nucleotide position 2851. The proline at codon 951 is replaced by serine, an amino acid with similar properties. This amino acid position is conserved. In addition, this alteration is predicted to be tolerated by in silico analysis. Since supporting evidence is limited at this time, the clinical significance of this alteration remains unclear.

Labcorp Genetics (formerly Invitae), Labcorp
Classification: Uncertain significance for POLD1-related polyposis and colorectal cancer syndrome. Last evaluated: 2023-05-31. Review status: criteria provided, single submitter. Criteria: Invitae Variant Classification Sherloc (09022015). Collection method: clinical testing. Allele origin: germline.
Comment: In summary, the available evidence is currently insufficient to determine the role of this variant in disease. Therefore, it has been classified as a Variant of Uncertain Significance. Advanced modeling of protein sequence and biophysical properties (such as structural, functional, and spatial information, amino acid conservation, physicochemical variation, residue mobility, and thermodynamic stability) performed at Invitae indicates that this missense variant is not expected to disrupt POLD1 protein function. ClinVar contains an entry for this variant (Variation ID: 1478690). This variant has not been reported in the literature in individuals affected with POLD1-related conditions. This variant is not present in population databases (gnomAD no frequency). This sequence change replaces proline, which is neutral and non-polar, with serine, which is neutral and polar, at codon 951 of the POLD1 protein (p.Pro951Ser).